The following is an entry in ClinVar:

ClinVar aggregate classification (germline): Uncertain significance (1 of 4 stars; one submission).

Submission:

CeGaT Center for Human Genetics Tuebingen
Classification: Uncertain significance. Last evaluated: 2023-10-01. Review status: criteria provided, single submitter. Criteria: CeGaT Center For Human Genetics Tuebingen Variant Classification Criteria Version 2. Collection method: clinical testing. Allele origin: germline. Affected: yes. Observed: 1 variant allele.
Comment: FANCA: PM2, BP4

NM_000135.4(FANCA):c.522+6T>C

Gene: FANCA (FA complementation group A; minus strand). Cytogenetic location: 16q24.3.
Variant type: single nucleotide variant.
Coding change: c.522+6T>C on transcript NM_000135.4 (MANE Select); 6 bases into the intron after coding-DNA position 522, T replaced by C.
Molecular consequence: intron variant.
Genome position (GRCh38, 1-based): chr16:89,810,701, A>G on the plus strand (T>C on the coding strand, the complement: FANCA is on the minus strand). VCF-style: chr16-89810701-A-G. GRCh37 (hg19) VCF-style: chr16-89877109-A-G.
Other names: c.522+6T>C (NM_001286167.3, NM_001018112.3); c.426+228T>C (NM_001351830.2).
Identifiers: ClinVar variation 2647140 (VCV002647140.24), dbSNP rs2544361902, ClinGen allele CA2695201191.